The following is an entry in ClinVar:

ClinVar aggregate classification (germline): Likely benign. Review status: criteria provided, multiple submitters, no conflicts (2 of 4 stars). 4 submissions from 4 submitters: Likely benign (4). Last evaluated 2025-05-12.

Conditions:
Cardiomyopathy (CMYO). Also called: Cardiomyopathies. Identifiers: Orphanet 167848, MedGen C0878544, MONDO:0004994, HP:0001638. Inheritance: Various modes of inheritance.
Lethal congenital glycogen storage disease of heart. Also called: PHOSPHORYLASE KINASE DEFICIENCY OF HEART; GLYCOGEN STORAGE DISEASE OF HEART. Identifiers: Orphanet 439854, MedGen C1849813, MONDO:0009867, OMIM 261740.
Hypertrophic cardiomyopathy. Also called: HYPERTROPHIC MYOCARDIOPATHY. Identifiers: Orphanet 217569, MedGen C0007194, MeSH D002312, MONDO:0005045, HP:0001639.

gnomAD v4.1: 1 of 1,606,916 alleles (0.000062%); highest among the groups gnomAD compares: Non-Finnish European, 0.000085%; no homozygotes.

Submissions (4):

Labcorp Genetics (formerly Invitae), Labcorp
Classification: Likely benign for Lethal congenital glycogen storage disease of heart. Last evaluated: 2025-05-12. Review status: criteria provided, single submitter. Criteria: Invitae Variant Classification Sherloc (09022015). Collection method: clinical testing. Allele origin: germline.

All of Us Research Program, National Institutes of Health
Classification: Likely benign for Hypertrophic cardiomyopathy. Last evaluated: 2023-08-28. Review status: criteria provided, single submitter. Criteria: ACMG Guidelines, 2015. Collection method: clinical testing. Allele origin: germline. Inheritance: Autosomal dominant inheritance. Observed: 2 variant alleles, 2 heterozygotes.
Comment: This study involves interpretation of variants in research participants for the purpose of population health screening. Participant phenotype was not available at the time of variant classification. Additional details can be found in publication PMID: 35346344, PMCID: PMC8962531

Color Diagnostics, LLC DBA Color Health
Classification: Likely benign for Cardiomyopathy. Last evaluated: 2022-11-06. Review status: criteria provided, single submitter. Criteria: ACMG Guidelines, 2015. Collection method: clinical testing. Allele origin: germline.

GeneDx
Classification: Likely benign. Last evaluated: 2016-07-27. Review status: criteria provided, single submitter. Criteria: GeneDx Variant Classification (06012015). Collection method: clinical testing. Allele origin: germline. Affected: yes.
Comment: This variant is considered likely benign or benign based on one or more of the following criteria: it is a conservative change, it occurs at a poorly conserved position in the protein, it is predicted to be benign by multiple in silico algorithms, and/or has population frequency not consistent with disease.

NM_016203.4(PRKAG2):c.102C>G (p.Arg34=)

Gene: PRKAG2 (protein kinase AMP-activated non-catalytic subunit gamma 2; minus strand). Cytogenetic location: 7q36.1.
Variant type: single nucleotide variant.
Coding change: c.102C>G on transcript NM_016203.4 (MANE Select); coding-DNA position 102, C replaced by G.
Protein change: p.Arg34=; no amino-acid change (arginine 34 retained).
Molecular consequence: synonymous variant.
Genome position (GRCh38, 1-based): chr7:151,876,519, G>C on the plus strand (C>G on the coding strand, the complement: PRKAG2 is on the minus strand). VCF-style: chr7-151876519-G-C. GRCh37 (hg19) VCF-style: chr7-151573604-G-C.
Identifiers: ClinVar variation 387985 (VCV000387985.7), dbSNP rs1057522970, ClinGen allele CA16605291.